The following is an entry in ClinVar:

ClinVar aggregate classification (germline): Uncertain significance (0 of 4 stars; one submission).

Conditions:
VPS13B-related disorder. Also called: VPS13B-related condition.

gnomAD v4.1: 3 of 1,597,630 alleles (0.00019%); highest among the groups gnomAD compares: South Asian, 0.0034%; no homozygotes.

Submission:

PreventionGenetics, part of Exact Sciences
Classification: Uncertain significance for VPS13B-related condition. Last evaluated: 2024-04-18. Review status: no assertion criteria provided. Collection method: clinical testing. Allele origin: germline.
Comment: The VPS13B c.11176C>T variant is predicted to result in the amino acid substitution p.Leu3726Phe. To our knowledge, this variant has not been reported in the literature. This variant is reported in 0.0037% of alleles in individuals of South Asian descent in gnomAD. At this time, the clinical significance of this variant is uncertain due to the absence of conclusive functional and genetic evidence.

NM_152564.5(VPS13B):c.11176C>T (p.Leu3726Phe)

Gene: VPS13B (vacuolar protein sorting 13 homolog B; plus strand). Cytogenetic location: 8q22.2.
Variant type: single nucleotide variant.
Coding change: c.11176C>T on transcript NM_152564.5 (MANE Select); coding-DNA position 11176, C replaced by T.
Protein change: p.Leu3726Phe; replaces leucine 3726 with phenylalanine.
Molecular consequence: missense variant.
Genome position (GRCh38, 1-based): chr8:99,861,907, C>T. VCF-style: chr8-99861907-C-T. GRCh37 (hg19) VCF-style: chr8-100874135-C-T.
Other names: c.11251C>T, p.Leu3751Phe (NM_017890.5); short protein forms L3726F, L3751F.
Identifiers: ClinVar variation 3355339 (VCV003355339.1).
Genomic context (GRCh38, chr8:99,861,907, plus strand): 5'-GAGCACTACAACCGGCAGGAGGAGTGGCGGCGGCAGCTCCCCGAGAGCCTGGGCGAGGGG[C>T]TTCGACAGGGCCTGTCCCGGCTGGGCATCAGCCTGCTTGGTAAGGGGCTGCGGGGCCTCC-3'
Protein context (NP_689777.3, residues 3716-3736): RQLPESLGEG[Leu3726Phe]RQGLSRLGIS